The following is an entry in ClinVar:

NM_006231.4(POLE):c.4855T>C (p.Tyr1619His)

Gene: POLE (DNA polymerase epsilon, catalytic subunit; minus strand). Cytogenetic location: 12q24.33.
Variant type: single nucleotide variant.
Coding change: c.4855T>C on transcript NM_006231.4 (MANE Select); coding-DNA position 4855, T replaced by C.
Protein change: p.Tyr1619His; replaces tyrosine 1619 with histidine.
Molecular consequence: missense variant.
Genome position (GRCh38, 1-based): chr12:132,642,603, A>G on the plus strand (T>C on the coding strand, the complement: POLE is on the minus strand). VCF-style: chr12-132642603-A-G. GRCh37 (hg19) VCF-style: chr12-133219189-A-G.
Other names: short protein forms Y1619H.
Identifiers: ClinVar variation 405789 (VCV000405789.8), dbSNP rs1060500849, ClinGen allele CA16613824.

ClinVar aggregate classification (germline): Uncertain significance (1 of 4 stars; one submission).

Allele frequency attached by ClinVar (database versions not stated): gnomAD exomes below 0.00001.
gnomAD v4.1: 1 of 1,613,560 alleles (0.000062%); highest among the groups gnomAD compares: East Asian, 0.0022%; no homozygotes.

Submission:

Labcorp Genetics (formerly Invitae), Labcorp
Classification: Uncertain significance. Last evaluated: 2022-02-24. Review status: criteria provided, single submitter. Criteria: Invitae Variant Classification Sherloc (09022015). Collection method: clinical testing. Allele origin: germline.
Comment: In summary, the available evidence is currently insufficient to determine the role of this variant in disease. Therefore, it has been classified as a Variant of Uncertain Significance. Algorithms developed to predict the effect of missense changes on protein structure and function (SIFT, PolyPhen-2, Align-GVGD) all suggest that this variant is likely to be disruptive. ClinVar contains an entry for this variant (Variation ID: 405789). This missense change has been observed in individual(s) with breast cancer (PMID: 30093976). This variant is not present in population databases (gnomAD no frequency). This sequence change replaces tyrosine, which is neutral and polar, with histidine, which is basic and polar, at codon 1619 of the POLE protein (p.Tyr1619His).

Literature cited by the submitters: PubMed 30093976.